The following is an entry in ClinVar:

NM_001371533.1(FUT8):c.559C>A (p.Leu187Met)

Gene: FUT8 (fucosyltransferase 8; plus strand). Cytogenetic location: 14q23.3.
Variant type: single nucleotide variant.
Coding change: c.559C>A on transcript NM_001371533.1 (MANE Select); coding-DNA position 559, C replaced by A.
Protein change: p.Leu187Met; replaces leucine 187 with methionine.
Molecular consequence: missense variant. On other transcripts: non-coding transcript variant (1).
Genome position (GRCh38, 1-based): chr14:65,629,568, C>A. VCF-style: chr14-65629568-C-A. GRCh37 (hg19) VCF-style: chr14-66096286-C-A.
Other names: c.559C>A, p.Leu187Met (NM_001371534.1, NM_178155.3, NM_178156.2); c.661C>A, p.Leu221Met (NM_001371536.1); c.70C>A, p.Leu24Met (NM_004480.4); c.559C>A (NM_178155.2); short protein forms L187M, L24M, L221M.
Identifiers: ClinVar variation 1435164 (VCV001435164.5), dbSNP rs376707676, ClinGen allele CA7233269.

ClinVar aggregate classification (germline): Uncertain significance. Review status: criteria provided, multiple submitters, no conflicts (2 of 4 stars). 2 submissions from 2 submitters: Uncertain significance (2). Last evaluated 2022-07-12.

Conditions:
Inborn genetic diseases. Identifiers: MedGen C0950123, MeSH D030342.

Allele frequency attached by ClinVar (database versions not stated): gnomAD 0.00002 and 0.00008; ESP Exome Variant Server 0.00008; ExAC 0.00011; gnomAD exomes 0.00013; 1000 Genomes Project 30x 0.00016; 1000 Genomes Project 0.00020.
gnomAD v4.1: 114 of 1,613,714 alleles (0.0071%); highest among the groups gnomAD compares: South Asian, 0.092%; 1 homozygote.

Submissions (2):

Labcorp Genetics (formerly Invitae), Labcorp
Classification: Uncertain significance. Last evaluated: 2022-07-12. Review status: criteria provided, single submitter. Criteria: Invitae Variant Classification Sherloc (09022015). Collection method: clinical testing. Allele origin: germline.
Comment: In summary, the available evidence is currently insufficient to determine the role of this variant in disease. Therefore, it has been classified as a Variant of Uncertain Significance. Algorithms developed to predict the effect of missense changes on protein structure and function are either unavailable or do not agree on the potential impact of this missense change (SIFT: "Deleterious"; PolyPhen-2: "Probably Damaging"; Align-GVGD: "Class C0"). ClinVar contains an entry for this variant (Variation ID: 1435164). This variant has not been reported in the literature in individuals affected with FUT8-related conditions. This variant is present in population databases (rs376707676, gnomAD 0.07%). This sequence change replaces leucine, which is neutral and non-polar, with methionine, which is neutral and non-polar, at codon 187 of the FUT8 protein (p.Leu187Met).

Ambry Genetics
Classification: Uncertain significance for Inborn genetic diseases. Last evaluated: 2020-12-15. Review status: criteria provided, single submitter. Criteria: Ambry Variant Classification Scheme 2023. Collection method: clinical testing. Allele origin: germline.
Comment: The c.559C>A (p.L187M) alteration is located in exon 6 (coding exon 4) of the FUT8 gene. This alteration results from a C to A substitution at nucleotide position 559, causing the leucine (L) at amino acid position 187 to be replaced by a methionine (M). The p.L187M alteration is predicted to be tolerated by in silico analysis. Based on insufficient or conflicting evidence, the clinical significance of this alteration remains unclear.